The following is an entry in ClinVar:

NM_000540.3(RYR1):c.1201C>T (p.Arg401Cys)

Gene: RYR1 (ryanodine receptor 1; plus strand). Cytogenetic location: 19q13.2.
Variant type: single nucleotide variant.
Coding change: c.1201C>T on transcript NM_000540.3 (MANE Select); coding-DNA position 1201, C replaced by T.
Protein change: p.Arg401Cys; replaces arginine 401 with cysteine.
Molecular consequence: missense variant.
Genome position (GRCh38, 1-based): chr19:38,451,842, C>T. VCF-style: chr19-38451842-C-T. GRCh37 (hg19) VCF-style: chr19-38942482-C-T.
Other names: NM_000540.3(RYR1):c.1201C>T; c.1201C>T, p.Arg401Cys (NM_001042723.2); short protein forms R401C.
Identifiers: ClinVar variation 133029 (VCV000133029.59), dbSNP rs193922764, ClinGen allele CA023956.

ClinVar aggregate classification (germline): Pathogenic; drug response. Review status: reviewed by expert panel (3 of 4 stars). 20 submissions from 14 submitters: Pathogenic (1). 12 of the submissions do not count toward it. Last evaluated 2022-03-29.

Conditions:
Inborn genetic diseases. Identifiers: MedGen C0950123, MeSH D030342.
RYR1-related disorder. Also called: RYR1-related condition; RYR1-related disorders. Identifiers: MedGen CN239331.
Malignant hyperthermia of anesthesia. Also called: Anesthesic-triggered malignant hyperthermia. Identifiers: Orphanet 423, MedGen C0024591, MONDO:0018493, HP:0034733.
Malignant hyperthermia, susceptibility to, 1 (MHS1). Also called: Malignant hyperthermia suceptibility 1; Anesthesia related hyperthermia; Malignant hyperpyrexia; Fulminating hyperpyrexia; Pharmacogenic myopathy; RYR1-Related Malignant Hyperthermia Susceptibility. Identifiers: Orphanet 423, MedGen C2930980, MONDO:0007783, OMIM 145600.
sevoflurane response - Toxicity.
methoxyflurane response - Toxicity.
isoflurane response - Toxicity.
enflurane response - Toxicity.
halothane response - Toxicity.
desflurane response - Toxicity.
succinylcholine response - Toxicity.

Allele frequency attached by ClinVar (database versions not stated): TOPMed 0.00001; gnomAD 0.00002.
gnomAD v4.1: 12 of 1,613,996 alleles (0.00074%); highest among the groups gnomAD compares: East Asian, 0.0022%; no homozygotes.

Submissions 1 to 10 of 20:

ClinGen Malignant Hyperthermia Susceptibility Variant Curation Expert Panel, ClinGen
Classification: Pathogenic for Malignant hyperthermia, susceptibility to, 1. Last evaluated: 2022-03-29. Review status: reviewed by expert panel. Criteria: ClinGen MHS ACMG Specifications V2. Collection method: curation. Allele origin: germline. Inheritance: Autosomal dominant inheritance.
Comment: This pathogenicity assessment is relevant only for malignant hyperthermia susceptibility (MHS) inherited in an autosomal dominant pattern. Variants in RYR1 can also cause other myopathies inherited in an autosomal dominant pattern or in an autosomal recessive pattern. Some of these disorders may predispose individuals to malignant hyperthermia. RYR1 variants may also contribute to a malignant hyperthermia reaction in combination with other genetic and non-genetic factors and the clinician needs to consider such factors in making management decisions. This sequence variant predicts a substitution of arginine with cysteine at codon 401 of the RYR1 protein p.(Arg401Cys). The maximum allele frequency for this variant among the six major gnomAD populations is EAS: 0.00005, a frequency consistent with pathogenicity for MHS. This variant has been reported in five unrelated individuals who have a personal or family history of a malignant hyperthermia reaction and a positive in vitro contracture test (IVCT) or caffeine halothane contracture test (CHCT) result (when the proband was unavailable for testing a positive diagnostic test result in a mutation positive relative was counted), PS4_Moderate ( PMID:30236257, PMID:12434264, PMID:24433488, PMID:25735680). This variant segregates with MHS in three individuals, PP1 (PMID:12066726, PMID:18564801). Functional studies in HEK293 cells show an increased sensitivity to RYR1 agonists PS3_Moderate, (PMID:23459219). Another variant has been assessed as pathogenic occurs at this codon, p.(Arg401His), PM5 (PMID:16917943). This variant resides in a region of RYR1 considered to be a hotspot for pathogenic variants that contribute to MHS, use PM1_Supporting to avoid overweighting with PM5 (PMID: 21118704). A REVEL score > 0.85 (0.886) supports pathogenicity, PP3_Moderate. Criteria implemented: PS4_Moderate, PS3_Moderate, PM1_Supporting, PM5, PP1, PP3_Moderate. Based on using Bayes to combine criteria this variant is assessed as Pathogenic, (PMID: 29300386).

ClinPGx
Classification: drug response for desflurane response - Toxicity. Last evaluated: 2021-03-24. Review status: reviewed by expert panel. Criteria: Pharmacogenomics knowledge for personalized medicine. Collection method: curation. Allele origin: germline. Affected: yes.
Comment: PharmGKB Level of Evidence 1A: Level 1A clinical annotations describe variant-drug combinations that have variant-specific prescribing guidance available in a current clinical guideline annotation or an FDA-approved drug label annotation. Annotations of drug labels or clinical guidelines must give prescribing guidance for specific variants (e.g. CYP2C9*3, HLA-B*57:01) or provide mapping from defined allele functions to diplotypes and phenotypes to be used as supporting evidence for a level 1A clinical annotation. Level 1A clinical annotations must also be supported by at least one publication in addition to a clinical guideline or drug label with variant-specific prescribing guidance.

Drug is not necessarily used to treat response condition

ClinPGx
Classification: drug response for enflurane response - Toxicity. Last evaluated: 2021-03-24. Review status: reviewed by expert panel. Criteria: Pharmacogenomics knowledge for personalized medicine. Collection method: curation. Allele origin: germline. Affected: yes.
Comment: the same text as in the submission from ClinPGx above.

ClinPGx
Classification: drug response for halothane response - Toxicity. Last evaluated: 2021-03-24. Review status: reviewed by expert panel. Criteria: Pharmacogenomics knowledge for personalized medicine. Collection method: curation. Allele origin: germline. Affected: yes.
Comment: the same text as in the submission from ClinPGx above.

ClinPGx
Classification: drug response for isoflurane response - Toxicity. Last evaluated: 2021-03-24. Review status: reviewed by expert panel. Criteria: Pharmacogenomics knowledge for personalized medicine. Collection method: curation. Allele origin: germline. Affected: yes.
Comment: the same text as in the submission from ClinPGx above.

ClinPGx
Classification: drug response for methoxyflurane response - Toxicity. Last evaluated: 2021-03-24. Review status: reviewed by expert panel. Criteria: Pharmacogenomics knowledge for personalized medicine. Collection method: curation. Allele origin: germline. Affected: yes.
Comment: the same text as in the submission from ClinPGx above.

ClinPGx
Classification: drug response for sevoflurane response - Toxicity. Last evaluated: 2021-03-24. Review status: reviewed by expert panel. Criteria: Pharmacogenomics knowledge for personalized medicine. Collection method: curation. Allele origin: germline. Affected: yes.
Comment: the same text as in the submission from ClinPGx above.

ClinPGx
Classification: drug response for succinylcholine response - Toxicity. Last evaluated: 2021-03-24. Review status: reviewed by expert panel. Criteria: Pharmacogenomics knowledge for personalized medicine. Collection method: curation. Allele origin: germline. Affected: yes.
Comment: the same text as in the submission from ClinPGx above.

Ambry Genetics
Classification: Pathogenic for Inborn genetic diseases. Last evaluated: 2026-03-17. Review status: criteria provided, single submitter. Criteria: Ambry Variant Classification Scheme 2023. Collection method: clinical testing. Allele origin: germline. Not counted in ClinVar's aggregate classification.
Comment: The c.1201C>T (p.R401C) alteration is located in coding exon 12 of the RYR1 gene. This alteration results from a C to T substitution at nucleotide position 1201, causing the arginine (R) at amino acid position 401 to be replaced by a cysteine (C). for autosomal dominant RYR1-related malignant hyperthermia susceptibility and autosomal recessive RYR1-related myopathy; however, its clinical significance for autosomal dominant RYR1-related myopathy is uncertain. Based on data from gnomAD, the T allele has an overall frequency of 0.001% (2/282746) total alleles studied. This variant was reported as heterozygous in individuals with features consistent with autosomal dominant RYR1-related malignant hyperthermia susceptibility (MHS) (Davis, 2002; Monnier, 2005; Klingler, 2014; Gillies, 2015; Miller, 2018). This variant has been identified in conjunction with other RYR1 variant(s) in individual(s) with features consistent with autosomal recessive RYR1-related myopathy; in at least one instance, the variants were identified in trans (Amburgey, 2013). Other variants at the same codon, c.1202G>A (p.R401H) and c.1202G>T (p.R401L), have been identified in individuals with features consistent with both autosomal recessive RYR1-related myopathy and autosomal dominant RYR1-related MHS (Cotta, 2022; external communication). This amino acid position is highly conserved in available vertebrate species. In multiple assays testing RYR1 function, this variant showed functionally abnormal results (Sato, 2013; Yamazawa, 2020). This alteration is predicted to be deleterious by in silico analysis. Based on the available evidence, this alteration is classified as pathogenic.

Labcorp Genetics (formerly Invitae), Labcorp
Classification: Pathogenic for RYR1-related disorder. Last evaluated: 2025-07-23. Review status: criteria provided, single submitter. Criteria: Invitae Variant Classification Sherloc (09022015). Collection method: clinical testing. Allele origin: germline. Not counted in ClinVar's aggregate classification.
Comment: This sequence change replaces arginine, which is basic and polar, with cysteine, which is neutral and slightly polar, at codon 401 of the RYR1 protein (p.Arg401Cys). This variant is present in population databases (rs193922764, gnomAD 0.005%). This missense change has been observed in individual(s) with autosomal dominant malignant hyperthermia susceptibility and/or autosomal recessive RYR1-related myopathy (PMID: 12066726, 23919265, 24433488, 25735680, 28818389, 30236257). In at least one individual the data is consistent with being in trans (on the opposite chromosome) from a pathogenic variant. It has also been observed to segregate with disease in related individuals. ClinVar contains an entry for this variant (Variation ID: 133029). Invitae Evidence Modeling of protein sequence and biophysical properties (such as structural, functional, and spatial information, amino acid conservation, physicochemical variation, residue mobility, and thermodynamic stability) has been performed for this missense variant. However, the output from this modeling did not meet the statistical confidence thresholds required to predict the impact of this variant on RYR1 protein function. Experimental studies have shown that this missense change affects RYR1 function (PMID: 23459219). This variant disrupts the p.Arg401 amino acid residue in RYR1. Other variant(s) that disrupt this residue have been determined to be pathogenic (PMID: 12059893, 24433488; internal data). This suggests that this residue is clinically significant, and that variants that disrupt this residue are likely to be disease-causing. For these reasons, this variant has been classified as Pathogenic.